The following is an entry in ClinVar:

NM_005359.6(SMAD4):c.607C>A (p.Pro203Thr)

Gene: SMAD4 (SMAD family member 4; plus strand). Cytogenetic location: 18q21.2.
Variant type: single nucleotide variant.
Coding change: c.607C>A on transcript NM_005359.6 (MANE Select); coding-DNA position 607, C replaced by A.
Protein change: p.Pro203Thr; replaces proline 203 with threonine.
Molecular consequence: missense variant. On other transcripts: non-coding transcript variant (2).
Genome position (GRCh38, 1-based): chr18:51,054,933, C>A. VCF-style: chr18-51054933-C-A. GRCh37 (hg19) VCF-style: chr18-48581303-C-A.
Other names: c.607C>A, p.Pro203Thr (NM_001407041.1, NM_001407042.1, NM_001407043.1); short protein forms P203T.
Identifiers: ClinVar variation 5029745 (VCV005029745.1).

ClinVar aggregate classification (germline): Uncertain significance (1 of 4 stars; one submission).

Conditions:
Familial thoracic aortic aneurysm and aortic dissection (TAAD). Also called: Thoracic aortic aneurysms and dissections. Identifiers: Orphanet 91387, MedGen C4707243, MONDO:0019625.
Hereditary cancer-predisposing syndrome. Also called: Neoplastic Syndromes, Hereditary; Tumor predisposition; Hereditary neoplastic syndrome; Hereditary Cancer Syndrome. Identifiers: Orphanet 140162, MedGen C0027672, MeSH D009386, MONDO:0015356.

gnomAD v4.1: 1 of 1,614,112 alleles (0.000062%); highest among the groups gnomAD compares: East Asian, 0.0022%; no homozygotes.

Submission:

Ambry Genetics
Classification: Uncertain significance for Hereditary cancer-predisposing syndrome; Familial thoracic aortic aneurysm and aortic dissection. Last evaluated: 2026-07-07. Review status: criteria provided, single submitter. Criteria: Ambry Variant Classification Scheme 2023. Collection method: clinical testing. Allele origin: germline.
Comment: The p.P203T variant (also known as c.607C>A), located in coding exon 4 of the SMAD4 gene, results from a C to A substitution at nucleotide position 607. The proline at codon 203 is replaced by threonine, an amino acid with highly similar properties. This amino acid position is conserved. In addition, this alteration is predicted to be deleterious by in silico analysis. Based on the available evidence, the clinical significance of this variant remains unclear.